The following is an entry in ClinVar:

ClinVar aggregate classification (germline): Likely pathogenic (1 of 4 stars; one submission).

Conditions:
Kleefstra syndrome 1 (KLEFS1). Identifiers: Orphanet 261494, MedGen C0795833, MONDO:0027407, OMIM 610253.

Submission:

Labcorp Genetics (formerly Invitae), Labcorp
Classification: Likely pathogenic for Kleefstra syndrome 1. Last evaluated: 2019-04-08. Review status: criteria provided, single submitter. Criteria: Invitae Variant Classification Sherloc (09022015). Collection method: clinical testing. Allele origin: germline.
Comment: This variant results in a copy number gain of the genomic region encompassing exons 2-9 of the EHMT1 gene. While the exact position of this variant cannot be determined from this data, sub-genic copy number gains are generally in tandem (PMID: 25640679) and may result in an absent or disrupted protein product. This variant has not been reported in the literature in individuals with EHMT1-related conditions. Loss-of-function variants in EHMT1 are known to be pathogenic (PMID: 16826528, 19264732). In summary, the currently available evidence indicates that the variant is pathogenic, but additional data are needed to prove that conclusively. Therefore, this variant has been classified as Likely Pathogenic.

Literature cited by the submitters: PubMed 25640679; PubMed 16826528; PubMed 19264732.

NC_000009.11:g.(?_140605399)_(140652483_?)dup

Genes: EHMT1 (euchromatic histone lysine methyltransferase 1; plus strand), LOC130003140 (ATAC-STARR-seq lymphoblastoid silent region 20637; plus strand), LOC130003141 (ATAC-STARR-seq lymphoblastoid active region 29361; plus strand), LOC130003142 (ATAC-STARR-seq lymphoblastoid active region 29362; plus strand), LOC130003143 (ATAC-STARR-seq lymphoblastoid active region 29363; plus strand) and 1 more. Cytogenetic location: 9q34.3.
Variant type: Duplication.
Identifiers: ClinVar variation 662276 (VCV000662276.3).